The following is an entry in ClinVar:

NM_015046.7(SETX):c.58C>T (p.Arg20Cys)

Gene: SETX (senataxin; minus strand). Cytogenetic location: 9q34.13.
Variant type: single nucleotide variant.
Coding change: c.58C>T on transcript NM_015046.7 (MANE Select); coding-DNA position 58, C replaced by T.
Protein change: p.Arg20Cys; replaces arginine 20 with cysteine.
Molecular consequence: missense variant.
Genome position (GRCh38, 1-based): chr9:132,349,371, G>A on the plus strand (C>T on the coding strand, the complement: SETX is on the minus strand). VCF-style: chr9-132349371-G-A. GRCh37 (hg19) VCF-style: chr9-135224758-G-A.
Other names: c.58C>T, p.Arg20Cys (NM_001351527.2, NM_001351528.2); short protein forms R20C.
Identifiers: ClinVar variation 1750385 (VCV001750385.8), dbSNP rs200228952, ClinGen allele CA5298142.

ClinVar aggregate classification (germline): Conflicting classifications of pathogenicity. Review status: criteria provided, conflicting classifications (1 of 4 stars). 7 submissions from 6 submitters: Uncertain significance (5); Benign (1); Likely benign (1). Last evaluated 2026-09-21.

Conditions:
Amyotrophic lateral sclerosis (ALS). Also called: Lou Gehrig disease; Charcot disease. Identifiers: Orphanet 803, MedGen C0002736, MONDO:0004976, HP:0007354.
Spinocerebellar ataxia, autosomal recessive, with axonal neuropathy 2 (SCAN2). Also called: Ataxia-ocular apraxia-2; Ataxia with Oculomotor Apraxia Type 2; ATAXIA-OCULOMOTOR APRAXIA 2; Ataxia with Oculomotor Apraxia. Identifiers: Orphanet 64753, MedGen C1853761, MONDO:0018996, OMIM 606002.
Amyotrophic lateral sclerosis type 4 (ALS4). Also called: AMYOTROPHIC LATERAL SCLEROSIS 4, JUVENILE; NEURONOPATHY, DISTAL HEREDITARY MOTOR, WITH PYRAMIDAL FEATURES. Identifiers: Orphanet 357043, MedGen C1865409, MONDO:0011223, OMIM 602433.
SETX-related disorder. Also called: SETX-related condition; SETX-related disorders. Identifiers: MedGen CN239403.
Inborn genetic diseases. Identifiers: MedGen C0950123, MeSH D030342.

Allele frequency attached by ClinVar (database versions not stated): TOPMed 0.00002; ExAC 0.00003; gnomAD 0.00003; gnomAD exomes 0.00003; 1000 Genomes Project 30x 0.00016; 1000 Genomes Project 0.00020.
gnomAD v4.1: 47 of 1,614,112 alleles (0.0029%); highest among the groups gnomAD compares: East Asian, 0.049%; no homozygotes.

Submissions (7):

Department of Neurology, Brain Research Institute, Niigata University
Classification: Likely benign for Amyotrophic lateral sclerosis. Last evaluated: 2026-09-21. Review status: criteria provided, single submitter. Criteria: ACMG Guidelines, 2015. Collection method: research. Allele origin: unknown. Affected: yes.
Comment: REVEL score of this variant is 0.183 (BP4_Moderate).

PreventionGenetics, part of Exact Sciences
Classification: Uncertain significance for SETX-related condition. Last evaluated: 2025-10-17. Review status: criteria provided, single submitter. Criteria: ACMG Guidelines, 2015. Collection method: clinical testing. Allele origin: germline.
Comment: The SETX c.58C>T variant is predicted to result in the amino acid substitution p.Arg20Cys. To our knowledge, this variant has not been reported in the literature. This variant is reported in 0.033% of alleles in individuals of East Asian descent in gnomAD. At this time, the clinical significance of this variant is uncertain due to the absence of conclusive functional and genetic evidence.

Labcorp Genetics (formerly Invitae), Labcorp
Classification: Benign for Amyotrophic lateral sclerosis type 4; Spinocerebellar ataxia, autosomal recessive, with axonal neuropathy 2. Last evaluated: 2025-10-15. Review status: criteria provided, single submitter. Criteria: Invitae Variant Classification Sherloc (09022015). Collection method: clinical testing. Allele origin: germline.

Genome-Nilou Lab
Classification: Uncertain significance for Spinocerebellar ataxia, autosomal recessive, with axonal neuropathy 2. Last evaluated: 2023-02-08. Review status: criteria provided, single submitter. Criteria: ACMG Guidelines, 2015. Collection method: clinical testing. Allele origin: germline.

Genome-Nilou Lab
Classification: Uncertain significance for Amyotrophic lateral sclerosis type 4. Last evaluated: 2023-02-08. Review status: criteria provided, single submitter. Criteria: ACMG Guidelines, 2015. Collection method: clinical testing. Allele origin: germline.

Athena Diagnostics
Classification: Uncertain significance. Last evaluated: 2022-01-07. Review status: criteria provided, single submitter. Criteria: Athena Diagnostics Criteria. Collection method: clinical testing. Allele origin: unknown.

Ambry Genetics
Classification: Uncertain significance for Inborn genetic diseases. Last evaluated: 2021-08-11. Review status: criteria provided, single submitter. Criteria: Ambry Variant Classification Scheme 2023. Collection method: clinical testing. Allele origin: germline.
Comment: The p.R20C variant (also known as c.58C>T), located in coding exon 1 of the SETX gene, results from a C to T substitution at nucleotide position 58. The arginine at codon 20 is replaced by cysteine, an amino acid with highly dissimilar properties. This amino acid position is conserved. In addition, this alteration is predicted to be tolerated by in silico analysis. Since supporting evidence is limited at this time, the clinical significance of this alteration remains unclear.